The following is an entry in ClinVar:

ClinVar aggregate classification (germline): Uncertain significance (1 of 4 stars; one submission).

Conditions:
Spastic paraplegia. Identifiers: MedGen C0037772, HP:0001258.

Allele frequency attached by ClinVar (database versions not stated): gnomAD exomes below 0.00001; ExAC 0.00001.
gnomAD v4.1: 1 of 1,613,602 alleles (0.000062%); highest among the groups gnomAD compares: Non-Finnish European, 0.000085%; no homozygotes.

Submission:

Labcorp Genetics (formerly Invitae), Labcorp
Classification: Uncertain significance for Spastic paraplegia. Last evaluated: 2022-10-17. Review status: criteria provided, single submitter. Criteria: Invitae Variant Classification Sherloc (09022015). Collection method: clinical testing. Allele origin: germline.
Comment: In summary, the available evidence is currently insufficient to determine the role of this variant in disease. Therefore, it has been classified as a Variant of Uncertain Significance. Algorithms developed to predict the effect of missense changes on protein structure and function (SIFT, PolyPhen-2, Align-GVGD) all suggest that this variant is likely to be tolerated. This variant has not been reported in the literature in individuals affected with AP4E1-related conditions. This variant is present in population databases (rs750060118, gnomAD 0.0009%). This sequence change replaces tyrosine, which is neutral and polar, with cysteine, which is neutral and slightly polar, at codon 1009 of the AP4E1 protein (p.Tyr1009Cys).

NM_007347.5(AP4E1):c.3026A>G (p.Tyr1009Cys)

Gene: AP4E1 (adaptor related protein complex 4 subunit epsilon 1; plus strand). Cytogenetic location: 15q21.2.
Variant type: single nucleotide variant.
Coding change: c.3026A>G on transcript NM_007347.5 (MANE Select); coding-DNA position 3026, A replaced by G.
Protein change: p.Tyr1009Cys; replaces tyrosine 1009 with cysteine.
Molecular consequence: missense variant.
Genome position (GRCh38, 1-based): chr15:50,999,193, A>G. VCF-style: chr15-50999193-A-G. GRCh37 (hg19) VCF-style: chr15-51291390-A-G.
Other names: c.2801A>G, p.Tyr934Cys (NM_001252127.2); short protein forms Y1009C, Y934C.
Identifiers: ClinVar variation 1911011 (VCV001911011.5), dbSNP rs750060118, ClinGen allele CA7559426.